The following is an entry in ClinVar:

NM_000260.4(MYO7A):c.1010_1011insCTTGCTGCCTCCCCTG (p.Phe338fs)

Gene: MYO7A (myosin VIIA; plus strand). Cytogenetic location: 11q13.5.
Variant type: Insertion.
Coding change: c.1010_1011insCTTGCTGCCTCCCCTG on transcript NM_000260.4 (MANE Select); coding-DNA positions 1010 to 1011, CTTGCTGCCTCCCCTG inserted.
Protein change: p.Phe338fs; shifts the reading frame from phenylalanine 338.
Molecular consequence: frameshift variant.
Genome position: GRCh38 VCF-style: chr11-77159453-C-CCTTGCTGCCTCCCCTG. GRCh37 (hg19) VCF-style: chr11-76870499-C-CCTTGCTGCCTCCCCTG.
Other names: c.1010_1011insCTTGCTGCCTCCCCTG, p.Phe338fs (NM_001127180.2); c.977_978insCTTGCTGCCTCCCCTG, p.Phe327fs (NM_001369365.1); short protein forms F327fs, F338fs.
Identifiers: ClinVar variation 4818011 (VCV004818011.1).

ClinVar aggregate classification (germline): Likely pathogenic (1 of 4 stars; one submission).

Conditions:
Usher syndrome type 1B (USH1B). Also called: Usher syndrome type IB. Identifiers: MedGen C1848638, MONDO:0700087.

Submission:

Natera, Inc.
Classification: Likely pathogenic for Usher syndrome type 1B. Last evaluated: 2024-08-19. Review status: criteria provided, single submitter. Criteria: Natera Variant Classification Schema (03/2026). Collection method: clinical testing. Allele origin: germline.
Comment: The c.1010_1011insCTTGCTGCCTCCCCTG variant in MYO7A is a frameshift variant predicted to shift the reading frame beginning at codon 338 and leads to a stop codon 7 codons downstream. This variant is expected to result in nonsense mediated decay, truncation, or a dysfunctional protein product. This variant is rare in the general population with a frequency below the threshold expected for the associated phenotype(s). Given the available evidence, this variant is classified as Likely Pathogenic.